The following is an entry in ClinVar:

NM_003000.3(SDHB):c.628G>A (p.Ala210Thr)

Gene: SDHB (succinate dehydrogenase complex iron sulfur subunit B; minus strand). Cytogenetic location: 1p36.13.
Variant type: single nucleotide variant.
Coding change: c.628G>A on transcript NM_003000.3 (MANE Select); coding-DNA position 628, G replaced by A.
Protein change: p.Ala210Thr; replaces alanine 210 with threonine.
Molecular consequence: missense variant.
Genome position (GRCh38, 1-based): chr1:17,023,987, C>T on the plus strand (G>A on the coding strand, the complement: SDHB is on the minus strand). VCF-style: chr1-17023987-C-T. GRCh37 (hg19) VCF-style: chr1-17350482-C-T.
Other names: c.574G>A, p.Ala192Thr (NM_001407361.1); short protein forms A192T, A210T.
Identifiers: ClinVar variation 3438770 (VCV003438770.5).

ClinVar aggregate classification (germline): Uncertain significance. Review status: criteria provided, multiple submitters, no conflicts (2 of 4 stars). 2 submissions from 2 submitters: Uncertain significance (2). Last evaluated 2026-07-06.

Conditions:
Hereditary cancer-predisposing syndrome. Also called: Tumor predisposition; Hereditary Cancer Syndrome; Hereditary neoplastic syndrome; Neoplastic Syndromes, Hereditary. Identifiers: Orphanet 140162, MedGen C0027672, MeSH D009386, MONDO:0015356.
Gastrointestinal stromal tumor. Also called: Gastrointestinal stroma tumor; Gastrointestinal stromal tumor, somatic. Identifiers: Orphanet 44890, MedGen C0238198, MeSH D046152, MONDO:0011719, OMIM 606764, HP:0100723.
Pheochromocytoma/paraganglioma syndrome 4. Also called: CAROTID BODY TUMORS AND MULTIPLE EXTRAADRENAL PHEOCHROMOCYTOMAS; PARAGANGLIOMA, FAMILIAL MALIGNANT; PARAGANGLIOMAS, HEREDITARY EXTRAADRENAL; PHEOCHROMOCYTOMA, FAMILIAL EXTRAADRENAL; Paragangliomas 4; SDHB-Related Hereditary Paraganglioma-Pheochromocytoma Syndrome (Paragangliomas 4). Identifiers: Orphanet 29072, MedGen C1861848, MONDO:0007273, OMIM 115310.
Pheochromocytoma. Also called: MAX-Related Hereditary Paraganglioma-Pheochromocytoma Syndrome. Identifiers: Orphanet 29072, MedGen C0031511, MONDO:0008233, OMIM 171300, HP:0002666.

Submissions (2):

Ambry Genetics
Classification: Uncertain significance for Hereditary cancer-predisposing syndrome. Last evaluated: 2026-07-06. Review status: criteria provided, single submitter. Criteria: Ambry Variant Classification Scheme 2023. Collection method: clinical testing. Allele origin: germline.
Comment: The p.A210T variant (also known as c.628G>A), located in coding exon 6 of the SDHB gene, results from a G to A substitution at nucleotide position 628. The alanine at codon 210 is replaced by threonine, an amino acid with similar properties. This amino acid position is highly conserved in available vertebrate species. In addition, this alteration is predicted to be deleterious by in silico analysis. Based on the available evidence, the clinical significance of this variant remains unclear.

Labcorp Genetics (formerly Invitae), Labcorp
Classification: Uncertain significance for Gastrointestinal stromal tumor; Pheochromocytoma/paraganglioma syndrome 4; Pheochromocytoma. Last evaluated: 2024-07-24. Review status: criteria provided, single submitter. Criteria: Invitae Variant Classification Sherloc (09022015). Collection method: clinical testing. Allele origin: germline.
Comment: This sequence change replaces alanine, which is neutral and non-polar, with threonine, which is neutral and polar, at codon 210 of the SDHB protein (p.Ala210Thr). This variant is not present in population databases (gnomAD no frequency). This variant has not been reported in the literature in individuals affected with SDHB-related conditions. Advanced modeling of protein sequence and biophysical properties (such as structural, functional, and spatial information, amino acid conservation, physicochemical variation, residue mobility, and thermodynamic stability) performed at Invitae indicates that this missense variant is expected to disrupt SDHB protein function with a positive predictive value of 80%. In summary, the available evidence is currently insufficient to determine the role of this variant in disease. Therefore, it has been classified as a Variant of Uncertain Significance.